The following is an entry in ClinVar:

ClinVar aggregate classification (germline): Uncertain significance (1 of 4 stars; one submission).

Submission:

GeneDx
Classification: Uncertain significance. Last evaluated: 2019-05-21. Review status: criteria provided, single submitter. Criteria: GeneDx Variant Classification Process June 2021. Collection method: clinical testing. Allele origin: germline. Affected: yes.
Comment: Not observed in large population cohorts (Lek et al., 2016); In silico analysis, which includes protein predictors and evolutionary conservation, supports a deleterious effect; Has not been previously published as pathogenic or benign to our knowledge

NM_001429.4(EP300):c.6718G>A (p.Gly2240Arg)

Gene: EP300 (E1A binding protein p300; plus strand). Cytogenetic location: 22q13.2.
Variant type: single nucleotide variant.
Coding change: c.6718G>A on transcript NM_001429.4 (MANE Select); coding-DNA position 6718, G replaced by A.
Protein change: p.Gly2240Arg; replaces glycine 2240 with arginine.
Molecular consequence: missense variant.
Genome position (GRCh38, 1-based): chr22:41,178,429, G>A. VCF-style: chr22-41178429-G-A. GRCh37 (hg19) VCF-style: chr22-41574433-G-A.
Other names: c.6640G>A, p.Gly2214Arg (NM_001362843.2); short protein forms G2214R, G2240R.
Identifiers: ClinVar variation 1302217 (VCV001302217.2), dbSNP rs2145522007, ClinGen allele CA411682592.